The following is an entry in ClinVar:

ClinVar aggregate classification (germline): Uncertain significance (1 of 4 stars; one submission).

Conditions:
HSD10 mitochondrial disease (HSD10MD). Also called: 2-methyl-3-hydroxybutyric aciduria; HSD10 deficiency; 3H2MBD deficiency; 3-hydroxy-2-methylbutyryl-CoA dehydrogenase deficiency; 2M3HBA; 17-beta-hydroxysteroid dehydrogenase X deficiency. Identifiers: Orphanet 391417, Orphanet 85295, MedGen C3266731, MONDO:0010327, OMIM 300438. Disease mechanism: loss of function.

Submission:

Baylor Genetics
Classification: Uncertain significance for HSD10 mitochondrial disease. Last evaluated: 2020-09-15. Review status: criteria provided, single submitter. Criteria: ACMG Guidelines, 2015. Collection method: clinical testing. Allele origin: unknown. Affected: yes.
Comment: This variant was determined to be of uncertain significance according to ACMG Guidelines, 2015 [PMID:25741868].

NM_004493.3(HSD17B10):c.14G>A (p.Cys5Tyr)

Gene: HSD17B10 (hydroxysteroid 17-beta dehydrogenase 10; minus strand). Cytogenetic location: Xp11.22.
Variant type: single nucleotide variant.
Coding change: c.14G>A on transcript NM_004493.3 (MANE Select); coding-DNA position 14, G replaced by A.
Protein change: p.Cys5Tyr; replaces cysteine 5 with tyrosine.
Molecular consequence: missense variant.
Genome position (GRCh38, 1-based): chrX:53,434,332, C>T on the plus strand (G>A on the coding strand, the complement: HSD17B10 is on the minus strand). VCF-style: chrX-53434332-C-T. GRCh37 (hg19) VCF-style: chrX-53461279-C-T.
Other names: c.14G>A, p.Cys5Tyr (NM_001037811.2); short protein forms C5Y.
Identifiers: ClinVar variation 1028767 (VCV001028767.1), dbSNP rs2075836864, ClinGen allele CA413156154.